The following is an entry in ClinVar:

NM_003482.4(KMT2D):c.895dup (p.His299fs)

Gene: KMT2D (lysine methyltransferase 2D; minus strand). Cytogenetic location: 12q13.12.
Variant type: Duplication.
Coding change: c.895dup on transcript NM_003482.4 (MANE Select); coding-DNA position 895, one base duplicated (C; older notation c.895dupC).
Protein change: p.His299fs; shifts the reading frame from histidine 299.
Molecular consequence: frameshift variant.
Genome position (GRCh38, 1-based): chr12:49,053,266, G duplicated on the plus strand (C on the coding strand, the reverse complement: KMT2D is on the minus strand); the first of 2 consecutive G bases (chr12:49,053,266-49,053,267); duplicating either gives the same sequence. VCF-style (leftmost placement, unchanged base first): chr12-49053265-T-TG. GRCh37 (hg19) VCF-style: chr12-49447048-T-TG.
Other names: short protein forms H299fs.
Identifiers: ClinVar variation 4294455 (VCV004294455.1).

ClinVar aggregate classification (germline): Likely pathogenic (1 of 4 stars; one submission).

Conditions:
Kabuki syndrome 1 (KABUK1). Also called: KMT2D-Related Kabuki Syndrome. Identifiers: Orphanet 2322, MedGen CN030661, MONDO:0007843, OMIM 147920.

Submission:

Molecular Genetics Department, Kulakov National Medical Research Center for Obstetrics, Gynecology and Perinatology
Classification: Likely pathogenic for Kabuki syndrome 1. Review status: criteria provided, single submitter. Criteria: ACMG Guidelines, 2015. Collection method: clinical testing. Allele origin: de novo. Affected: yes. Observed: 1 variant allele.
Comment: A previously undescribed heterozygous nucleotide variant creates a frameshift p.His299ProfsTer43 in the KMT2D gene. Heterozygous variants are reported including those in patients with Kabuki syndrome 1, 147920. The variant is not present in population database (gnomAD no frequency). Sanger sequencing revealed that the variant arose de novo (parentage confirmed). In summary, the currently available evidence indicates that the variant is pathogenic, but additional data are needed to prove that conclusively. Therefore, this variant has been classified as likely pathogenic.